The following is an entry in ClinVar:

NM_007194.4(CHEK2):c.1037G>C (p.Arg346Pro)

Gene: CHEK2 (checkpoint kinase 2; minus strand). Cytogenetic location: 22q12.1.
Variant type: single nucleotide variant.
Coding change: c.1037G>C on transcript NM_007194.4 (MANE Select); coding-DNA position 1037, G replaced by C.
Protein change: p.Arg346Pro; replaces arginine 346 with proline.
Molecular consequence: missense variant. On other transcripts: intron variant (3).
Genome position (GRCh38, 1-based): chr22:28,696,959, C>G on the plus strand (G>C on the coding strand, the complement: CHEK2 is on the minus strand). VCF-style: chr22-28696959-C-G. GRCh37 (hg19) VCF-style: chr22-29092947-C-G.
Other names: c.1166G>C, p.Arg389Pro (NM_001005735.3); c.374G>C, p.Arg125Pro (NM_001257387.3, NM_001437942.1); c.836G>C, p.Arg279Pro (NM_001349956.3); c.1130G>C, p.Arg377Pro (NM_001438293.1); c.1009-1086G>C (NM_145862.3); c.1102-1086G>C (NM_001438295.1); c.1138-1086G>C (NM_001438294.1); short protein forms R346P, R125P, R389P, R279P, R377P.
Identifiers: ClinVar variation 460774 (VCV000460774.9), dbSNP rs730881688, ClinGen allele CA411097736.

ClinVar aggregate classification (germline): Uncertain significance (1 of 4 stars; one submission).

Conditions:
Familial cancer of breast. Also called: BREAST CANCER, FAMILIAL; hereditary breast carcinoma; Hereditary breast cancer. Identifiers: Orphanet 227535, MedGen C0346153, MONDO:0016419, OMIM 114480. Disease mechanism: loss of function.

Submission:

Labcorp Genetics (formerly Invitae), Labcorp
Classification: Uncertain significance for Familial cancer of breast. Last evaluated: 2025-12-06. Review status: criteria provided, single submitter. Criteria: Invitae Variant Classification Sherloc (09022015). Collection method: clinical testing. Allele origin: germline.
Comment: This sequence change replaces arginine, which is basic and polar, with proline, which is neutral and non-polar, at codon 346 of the CHEK2 protein (p.Arg346Pro). This variant is not present in population databases (gnomAD no frequency). This variant has not been reported in the literature in individuals affected with CHEK2-related conditions. ClinVar contains an entry for this variant (Variation ID: 460774). An algorithm developed to predict the effect of missense changes on protein structure and function (PolyPhen-2) suggests that this variant is likely to be disruptive. In summary, the available evidence is currently insufficient to determine the role of this variant in disease. Therefore, it has been classified as a Variant of Uncertain Significance.